The following is an entry in ClinVar:

ClinVar aggregate classification (germline): Uncertain significance. Review status: criteria provided, multiple submitters, no conflicts (2 of 4 stars). 2 submissions from 2 submitters: Uncertain significance (2). Last evaluated 2023-10-20.

Conditions:
DICER1-related tumor predisposition. Also called: DICER1-related pleuropulmonary blastoma cancer predisposition syndrome; DICER1 syndrome. Identifiers: Orphanet 284343, MedGen C3839822, MONDO:0100216.
Hereditary cancer-predisposing syndrome. Also called: Hereditary neoplastic syndrome; Neoplastic Syndromes, Hereditary; Tumor predisposition; Hereditary Cancer Syndrome. Identifiers: Orphanet 140162, MedGen C0027672, MeSH D009386, MONDO:0015356.

Submissions (2):

Ambry Genetics
Classification: Uncertain significance for Hereditary cancer-predisposing syndrome. Last evaluated: 2023-10-20. Review status: criteria provided, single submitter. Criteria: Ambry Variant Classification Scheme 2023. Collection method: clinical testing. Allele origin: germline.
Comment: The p.S1076R variant (also known as c.3228C>A), located in coding exon 19 of the DICER1 gene, results from a C to A substitution at nucleotide position 3228. The serine at codon 1076 is replaced by arginine, an amino acid with dissimilar properties. This amino acid position is poorly conserved in available vertebrate species. In addition, this alteration is predicted to be tolerated by in silico analysis. Since supporting evidence is limited at this time, the clinical significance of this alteration remains unclear.

Labcorp Genetics (formerly Invitae), Labcorp
Classification: Uncertain significance for DICER1-related tumor predisposition. Last evaluated: 2022-06-19. Review status: criteria provided, single submitter. Criteria: Invitae Variant Classification Sherloc (09022015). Collection method: clinical testing. Allele origin: germline.
Comment: This sequence change replaces serine, which is neutral and polar, with arginine, which is basic and polar, at codon 1076 of the DICER1 protein (p.Ser1076Arg). This variant is not present in population databases (gnomAD no frequency). In summary, the available evidence is currently insufficient to determine the role of this variant in disease. Therefore, it has been classified as a Variant of Uncertain Significance. Algorithms developed to predict the effect of missense changes on protein structure and function (SIFT, PolyPhen-2, Align-GVGD) all suggest that this variant is likely to be tolerated. ClinVar contains an entry for this variant (Variation ID: 485529). This variant has not been reported in the literature in individuals affected with DICER1-related conditions.

NM_177438.3(DICER1):c.3228C>A (p.Ser1076Arg)

Gene: DICER1 (dicer 1, ribonuclease III; minus strand). Cytogenetic location: 14q32.13.
Variant type: single nucleotide variant.
Coding change: c.3228C>A on transcript NM_177438.3 (MANE Select); coding-DNA position 3228, C replaced by A.
Protein change: p.Ser1076Arg; replaces serine 1076 with arginine.
Molecular consequence: missense variant.
Genome position (GRCh38, 1-based): chr14:95,105,112, G>T on the plus strand (C>A on the coding strand, the complement: DICER1 is on the minus strand). VCF-style: chr14-95105112-G-T. GRCh37 (hg19) VCF-style: chr14-95571449-G-T.
Other names: c.3228C>A, p.Ser1076Arg (NM_001195573.1, NM_001271282.3, NM_001291628.2 and 1 more transcripts); short protein forms S1076R.
Identifiers: ClinVar variation 485529 (VCV000485529.14), dbSNP rs867768809, ClinGen allele CA390876430.
Genomic context (GRCh38, chr14:95,105,112, plus strand): 5'-GCTGACTGCACAGGCATACCTAAAATCCGCAGGAAGTGATCTGACTCCCACGCCAGCATC[G>T]CTGGCAGTCTGGGCTCTTAGCTCCTCTGCAGTCAAAAGGCAGTGAAGGCGATAAAGTATG-3'
Protein context (NP_803187.1, residues 1066-1086): TAEELRAQTA[Ser1076Arg]DAGVGVRSLP